The following is an entry in ClinVar:

NM_001256789.3(CACNA1F):c.3236C>T (p.Ala1079Val)

Gene: CACNA1F (calcium voltage-gated channel subunit alpha1 F; minus strand). Cytogenetic location: Xp11.23.
Variant type: single nucleotide variant.
Coding change: c.3236C>T on transcript NM_001256789.3 (MANE Select); coding-DNA position 3236, C replaced by T.
Protein change: p.Ala1079Val; replaces alanine 1079 with valine.
Molecular consequence: missense variant.
Genome position (GRCh38, 1-based): chrX:49,216,382, G>A on the plus strand (C>T on the coding strand, the complement: CACNA1F is on the minus strand). VCF-style: chrX-49216382-G-A. GRCh37 (hg19) VCF-style: chrX-49072842-G-A.
Other names: c.3074C>T, p.Ala1025Val (NM_001256790.3); c.3269C>T, p.Ala1090Val (NM_005183.4); short protein forms A1025V, A1079V, A1090V.
Identifiers: ClinVar variation 964360 (VCV000964360.9), dbSNP rs370329845, ClinGen allele CA10410513.

ClinVar aggregate classification (germline): Conflicting classifications of pathogenicity. Review status: criteria provided, conflicting classifications (1 of 4 stars). 3 submissions from 3 submitters: Uncertain significance (1); Likely benign (2). Last evaluated 2025-12-28.

Conditions:
CACNA1F-related disorder. Also called: CACNA1F-related condition.

Allele frequency attached by ClinVar (database versions not stated): gnomAD exomes 0.00002 and 0.00008; TOPMed 0.00006; gnomAD 0.00008 and 0.00012; ExAC 0.00012; 1000 Genomes Project 30x 0.00104; 1000 Genomes Project 0.00106.
gnomAD v4.1: 54 of 1,208,793 alleles (0.0045%); highest among the groups gnomAD compares: East Asian, 0.027%; no homozygotes.

Submissions (3):

PreventionGenetics, part of Exact Sciences
Classification: Likely benign for CACNA1F-related condition. Last evaluated: 2025-12-28. Review status: criteria provided, single submitter. Criteria: ACMG Guidelines, 2015. Collection method: clinical testing. Allele origin: germline.
Comment: This variant is classified as likely benign based on ACMG/AMP sequence variant interpretation guidelines (Richards et al. 2015 PMID: 25741868, with internal and published modifications).

Labcorp Genetics (formerly Invitae), Labcorp
Classification: Uncertain significance. Last evaluated: 2025-02-24. Review status: criteria provided, single submitter. Criteria: Invitae Variant Classification Sherloc (09022015). Collection method: clinical testing. Allele origin: germline.
Comment: This sequence change replaces alanine, which is neutral and non-polar, with valine, which is neutral and non-polar, at codon 1090 of the CACNA1F protein (p.Ala1090Val). This variant is present in population databases (rs370329845, gnomAD 0.06%), and has an allele count higher than expected for a pathogenic variant. This missense change has been observed in individual(s) with high myopia (PMID: 26747767). ClinVar contains an entry for this variant (Variation ID: 964360). An algorithm developed to predict the effect of missense changes on protein structure and function (PolyPhen-2) suggests that this variant is likely to be tolerated. In summary, the available evidence is currently insufficient to determine the role of this variant in disease. Therefore, it has been classified as a Variant of Uncertain Significance.

Blueprint Genetics
Classification: Likely benign. Last evaluated: 2024-06-27. Review status: criteria provided, single submitter. Criteria: ACMG Guidelines, 2015. Collection method: clinical testing. Allele origin: germline.

Literature cited by the submitters: PubMed 26747767 (cited by Labcorp Genetics (formerly Invitae), Labcorp).